The following is an entry in ClinVar:

NM_001127222.2(CACNA1A):c.5794A>G (p.Asn1932Asp)

Gene: CACNA1A (calcium voltage-gated channel subunit alpha1 A; minus strand). Cytogenetic location: 19p13.13.
Variant type: single nucleotide variant.
Coding change: c.5794A>G on transcript NM_001127222.2 (MANE Select); coding-DNA position 5794, A replaced by G.
Protein change: p.Asn1932Asp; replaces asparagine 1932 with aspartic acid.
Molecular consequence: missense variant.
Genome position (GRCh38, 1-based): chr19:13,214,546, T>C on the plus strand (A>G on the coding strand, the complement: CACNA1A is on the minus strand). VCF-style: chr19-13214546-T-C. GRCh37 (hg19) VCF-style: chr19-13325360-T-C.
Other names: c.5812A>G, p.Asn1938Asp (NM_000068.4, NM_023035.3); c.5797A>G, p.Asn1933Asp (NM_001127221.2); c.5803A>G, p.Asn1935Asp (NM_001174080.2); short protein forms N1938D, N1932D, N1933D, N1935D.
Identifiers: ClinVar variation 2184551 (VCV002184551.4), dbSNP rs2054929774, ClinGen allele CA404334437.

ClinVar aggregate classification (germline): Uncertain significance (1 of 4 stars; one submission).

Conditions:
Episodic ataxia type 2 (EA2). Also called: ACETAZOLAMIDE-RESPONSIVE HEREDITARY PAROXYSMAL CEREBELLAR ATAXIA; ATAXIA, EPISODIC, WITH NYSTAGMUS; ATAXIA, FAMILIAL PAROXYSMAL; CEREBELLAR ATAXIA, PAROXYSMAL, ACETAZOLAMIDE-RESPONSIVE; CEREBELLOPATHY, HEREDITARY PAROXYSMAL; EPISODIC ATAXIA, NYSTAGMUS-ASSOCIATED. Identifiers: Orphanet 97, MedGen C1720416, MONDO:0007163, OMIM 108500.
Developmental and epileptic encephalopathy, 42 (DEE42A). Also called: DEVELOPMENTAL AND EPILEPTIC ENCEPHALOPATHY 42A; Epileptic encephalopathy, early infantile, 42; EPILEPTIC ENCEPHALOPATHY, EARLY INFANTILE, 42A. Identifiers: MedGen C4310716, MONDO:0014917, OMIM 617106.

Allele frequency attached by ClinVar (database versions not stated): gnomAD exomes below 0.00001.
gnomAD v4.1: 1 of 1,614,038 alleles (0.000062%); highest among the groups gnomAD compares: Middle Eastern, 0.016%; no homozygotes.

Submission:

Labcorp Genetics (formerly Invitae), Labcorp
Classification: Uncertain significance for Developmental and epileptic encephalopathy, 42; Episodic ataxia type 2. Last evaluated: 2023-08-10. Review status: criteria provided, single submitter. Criteria: Invitae Variant Classification Sherloc (09022015). Collection method: clinical testing. Allele origin: germline.
Comment: In summary, the available evidence is currently insufficient to determine the role of this variant in disease. Therefore, it has been classified as a Variant of Uncertain Significance. Advanced modeling of protein sequence and biophysical properties (such as structural, functional, and spatial information, amino acid conservation, physicochemical variation, residue mobility, and thermodynamic stability) performed at Invitae indicates that this missense variant is not expected to disrupt CACNA1A protein function. ClinVar contains an entry for this variant (Variation ID: 2184551). This variant has not been reported in the literature in individuals affected with CACNA1A-related conditions. This variant is not present in population databases (gnomAD no frequency). This sequence change replaces asparagine, which is neutral and polar, with aspartic acid, which is acidic and polar, at codon 1933 of the CACNA1A protein (p.Asn1933Asp).